The following is an entry in ClinVar:

ClinVar aggregate classification (germline): Uncertain significance (1 of 4 stars; one submission).

Conditions:
Cardiovascular phenotype. Identifiers: MedGen CN230736.

gnomAD v4.1: 3 of 1,609,690 alleles (0.00019%); highest among the groups gnomAD compares: Non-Finnish European, 0.00025%; no homozygotes.

Submission:

Ambry Genetics
Classification: Uncertain significance for Cardiovascular phenotype. Last evaluated: 2020-06-22. Review status: criteria provided, single submitter. Criteria: Ambry Variant Classification Scheme 2023. Collection method: clinical testing. Allele origin: germline.
Comment: The p.W141C variant (also known as c.423G>T), located in coding exon 3 of the ACVRL1 gene, results from a G to T substitution at nucleotide position 423. The tryptophan at codon 141 is replaced by cysteine, an amino acid with highly dissimilar properties. This amino acid position is well conserved in available vertebrate species. In addition, the in silico prediction for this alteration is inconclusive. Since supporting evidence is limited at this time, the clinical significance of this alteration remains unclear.

NM_000020.3(ACVRL1):c.423G>T (p.Trp141Cys)

Gene: ACVRL1 (activin A receptor like type 1; plus strand). Cytogenetic location: 12q13.13.
Variant type: single nucleotide variant.
Coding change: c.423G>T on transcript NM_000020.3 (MANE Select); coding-DNA position 423, G replaced by T.
Protein change: p.Trp141Cys; replaces tryptophan 141 with cysteine.
Molecular consequence: missense variant.
Genome position (GRCh38, 1-based): chr12:51,913,668, G>T. VCF-style: chr12-51913668-G-T. GRCh37 (hg19) VCF-style: chr12-52307452-G-T.
Other names: c.423G>T, p.Trp141Cys (NM_001077401.2, NM_001406487.1, NM_001406488.1 and 1 more transcripts); short protein forms W141C.
Identifiers: ClinVar variation 1738987 (VCV001738987.2), dbSNP rs1422629205, ClinGen allele CA384898795.